The following is an entry in ClinVar:

ClinVar aggregate classification (germline): Uncertain significance (1 of 4 stars; one submission).

Conditions:
Primary ciliary dyskinesia. Also called: Ciliary dyskinesia. Identifiers: Orphanet 244, MedGen C0008780, MONDO:0016575, HP:0012265.

Allele frequency attached by ClinVar (database versions not stated): gnomAD 0.00001; TOPMed 0.00002.
gnomAD v4.1: 6 of 1,611,864 alleles (0.00037%); highest among the groups gnomAD compares: Admixed American, 0.01%; no homozygotes.

Submission:

Labcorp Genetics (formerly Invitae), Labcorp
Classification: Uncertain significance for Primary ciliary dyskinesia. Last evaluated: 2023-12-11. Review status: criteria provided, single submitter. Criteria: Invitae Variant Classification Sherloc (09022015). Collection method: clinical testing. Allele origin: germline.
Comment: This sequence change replaces glutamine with histidine at codon 3787 of the DNAH11 protein (p.Gln3787His). The glutamine residue is highly conserved and there is a small physicochemical difference between glutamine and histidine. This variant is present in population databases (rs747740981, gnomAD 0.01%). This variant has not been reported in the literature in individuals affected with DNAH11-related conditions. ClinVar contains an entry for this variant (Variation ID: 1355124). Advanced modeling of protein sequence and biophysical properties (such as structural, functional, and spatial information, amino acid conservation, physicochemical variation, residue mobility, and thermodynamic stability) performed at Invitae indicates that this missense variant is not expected to disrupt DNAH11 protein function with a negative predictive value of 95%. In summary, the available evidence is currently insufficient to determine the role of this variant in disease. Therefore, it has been classified as a Variant of Uncertain Significance.

NM_001277115.2(DNAH11):c.11361G>T (p.Gln3787His)

Gene: DNAH11 (dynein axonemal heavy chain 11; plus strand). Cytogenetic location: 7p15.3.
Variant type: single nucleotide variant.
Coding change: c.11361G>T on transcript NM_001277115.2 (MANE Select); coding-DNA position 11361, G replaced by T.
Protein change: p.Gln3787His; replaces glutamine 3787 with histidine.
Molecular consequence: missense variant.
Genome position (GRCh38, 1-based): chr7:21,862,011, G>T. VCF-style: chr7-21862011-G-T. GRCh37 (hg19) VCF-style: chr7-21901629-G-T.
Other names: short protein forms Q3787H.
Identifiers: ClinVar variation 1355124 (VCV001355124.4), dbSNP rs747740981, ClinGen allele CA4182713.